The following is an entry in ClinVar:

NM_000030.3(AGXT):c.740T>G (p.Leu247Arg)

Gene: AGXT (alanine--glyoxylate aminotransferase; plus strand). Cytogenetic location: 2q37.3.
Variant type: single nucleotide variant.
Coding change: c.740T>G on transcript NM_000030.3 (MANE Select); coding-DNA position 740, T replaced by G.
Protein change: p.Leu247Arg; replaces leucine 247 with arginine.
Molecular consequence: missense variant.
Genome position (GRCh38, 1-based): chr2:240,875,168, T>G. VCF-style: chr2-240875168-T-G. GRCh37 (hg19) VCF-style: chr2-241814585-T-G.
Other names: short protein forms L247R.
Identifiers: ClinVar variation 3338981 (VCV003338981.1).

ClinVar aggregate classification (germline): Uncertain significance (1 of 4 stars; one submission).

gnomAD v4.1: 3 of 1,613,878 alleles (0.00019%); highest among the groups gnomAD compares: East Asian, 0.0067%; no homozygotes.

Submission:

Women's Health and Genetics/Laboratory Corporation of America, LabCorp
Classification: Uncertain significance. Last evaluated: 2024-07-10. Review status: criteria provided, single submitter. Criteria: LabCorp Variant Classification Summary - May 2015. Collection method: clinical testing. Allele origin: germline.
Comment: Variant summary: AGXT c.740T>G (p.Leu247Arg) results in a non-conservative amino acid change located in the Aminotransferase class V domain (IPR000192) of the encoded protein sequence. Five of five in-silico tools predict a damaging effect of the variant on protein function. The variant allele was found at a frequency of 2.4e-05 in 251400 control chromosomes (gnomAD). The available data on variant occurrences in the general population are insufficient to allow any conclusion about variant significance. c.740T>G has been reported in the literature in an individual affected with Primary Hyperoxaluria Type 1 (Wu_2023). This report do not provide unequivocal conclusions about association of the variant with Primary Hyperoxaluria Type 1. To our knowledge, no experimental evidence demonstrating an impact on protein function has been reported. The following publication has been ascertained in the context of this evaluation (PMID: 37874369). No submitters have cited clinical-significance assessments for this variant to ClinVar. Based on the evidence outlined above, the variant was classified as uncertain significance.

Literature cited by the submitters: PubMed 37874369.